The following is an entry in ClinVar:

NM_006045.3(ATP9A):c.636G>A (p.Thr212=)

Gene: ATP9A (ATPase phospholipid transporting 9A; minus strand). Cytogenetic location: 20q13.2.
Variant type: single nucleotide variant.
Coding change: c.636G>A on transcript NM_006045.3 (MANE Select); coding-DNA position 636, G replaced by A.
Protein change: p.Thr212=; no amino-acid change (threonine 212 retained).
Molecular consequence: synonymous variant.
Genome position (GRCh38, 1-based): chr20:51,694,014, C>T on the plus strand (G>A on the coding strand, the complement: ATP9A is on the minus strand). VCF-style: chr20-51694014-C-T. GRCh37 (hg19) VCF-style: chr20-50310553-C-T.
Identifiers: ClinVar variation 4534012 (VCV004534012.6).

ClinVar aggregate classification (germline): Likely benign (1 of 4 stars; one submission).

gnomAD v4.1: 32 of 1,612,942 alleles (0.002%); highest among the groups gnomAD compares: African/African-American, 0.0027%; no homozygotes.

Submission:

CeGaT Center for Human Genetics Tuebingen
Classification: Likely benign. Last evaluated: 2025-11-01. Review status: criteria provided, single submitter. Criteria: CeGaT Center For Human Genetics Tuebingen Variant Classification Criteria Version 2. Collection method: clinical testing. Allele origin: germline. Affected: yes. Observed: 1 variant allele.
Comment: ATP9A: BP4, BP7